The following is an entry in ClinVar:

ClinVar aggregate classification (germline): Likely benign (1 of 4 stars; one submission).

Allele frequency attached by ClinVar (database versions not stated): gnomAD exomes below 0.00001; TOPMed below 0.00001; gnomAD 0.00001.
gnomAD v4.1: 6 of 1,613,558 alleles (0.00037%); highest among the groups gnomAD compares: Non-Finnish European, 0.00051%; no homozygotes.

Submission:

CeGaT Center for Human Genetics Tuebingen
Classification: Likely benign. Last evaluated: 2022-03-01. Review status: criteria provided, single submitter. Criteria: CeGaT Center For Human Genetics Tuebingen Variant Classification Criteria Version 2. Collection method: clinical testing. Allele origin: germline. Affected: yes. Observed: 1 variant allele.
Comment: SOBP: BP4, BP7

NM_018013.4(SOBP):c.2502C>G (p.Pro834=)

Gene: SOBP (sine oculis binding protein homolog; plus strand). Cytogenetic location: 6q21.
Variant type: single nucleotide variant.
Coding change: c.2502C>G on transcript NM_018013.4 (MANE Select); coding-DNA position 2502, C replaced by G.
Protein change: p.Pro834=; no amino-acid change (proline 834 retained).
Molecular consequence: synonymous variant.
Genome position (GRCh38, 1-based): chr6:107,635,346, C>G. VCF-style: chr6-107635346-C-G. GRCh37 (hg19) VCF-style: chr6-107956550-C-G.
Identifiers: ClinVar variation 1676037 (VCV001676037.33), dbSNP rs1770991792, ClinGen allele CA451582200.